The following is an entry in ClinVar:

ClinVar aggregate classification (germline): Likely benign (1 of 4 stars; one submission).

Conditions:
Combined immunodeficiency due to ORAI1 deficiency. Also called: IMMUNODEFICIENCY 9. Identifiers: Orphanet 169090, Orphanet 317428, MedGen C2748568, MONDO:0013007, OMIM 612782.
Myopathy, tubular aggregate, 1 (TAM1). Identifiers: MedGen C4011726, MONDO:0024531, OMIM 160565.
Myopathy, tubular aggregate, 2 (TAM2). Identifiers: MedGen C4014557, MONDO:0014383, OMIM 615883.

Allele frequency attached by ClinVar (database versions not stated): ExAC 0.00007; TOPMed 0.00012; gnomAD exomes 0.00002 and 0.00005; gnomAD 0.00013 and 0.00014; ESP Exome Variant Server 0.00016.

Submission:

Labcorp Genetics (formerly Invitae), Labcorp
Classification: Likely benign for Myopathy, tubular aggregate, 2; Combined immunodeficiency due to ORAI1 deficiency. Last evaluated: 2025-10-07. Review status: criteria provided, single submitter. Criteria: Invitae Variant Classification Sherloc (09022015). Collection method: clinical testing. Allele origin: germline.

NM_032790.4(ORAI1):c.763G>A (p.Val255Ile)

Gene: ORAI1 (ORAI calcium release-activated calcium modulator 1; plus strand). Cytogenetic location: 12q24.31.
Variant type: single nucleotide variant.
Coding change: c.763G>A on transcript NM_032790.4 (MANE Select); coding-DNA position 763, G replaced by A.
Protein change: p.Val255Ile; replaces valine 255 with isoleucine.
Genome position (GRCh38, 1-based): chr12:121,641,500, G>A. VCF-style: chr12-121641500-G-A. GRCh37 (hg19) VCF-style: chr12-122079406-G-A.
Other names: short protein forms V255I.
Identifiers: ClinVar variation 1057144 (VCV001057144.16), dbSNP rs376286032, ClinGen allele CA6837562.